The following is an entry in ClinVar:

ClinVar aggregate classification (germline): Uncertain significance (1 of 4 stars; one submission).

Submission:

Labcorp Genetics (formerly Invitae), Labcorp
Classification: Uncertain significance. Last evaluated: 2023-12-04. Review status: criteria provided, single submitter. Criteria: Invitae Variant Classification Sherloc (09022015). Collection method: clinical testing. Allele origin: germline.
Comment: This sequence change replaces arginine, which is basic and polar, with lysine, which is basic and polar, at codon 621 of the MMP9 protein (p.Arg621Lys). This variant is not present in population databases (gnomAD no frequency). This variant has not been reported in the literature in individuals affected with MMP9-related conditions. An algorithm developed to predict the effect of missense changes on protein structure and function (PolyPhen-2) suggests that this variant is likely to be tolerated. In summary, the available evidence is currently insufficient to determine the role of this variant in disease. Therefore, it has been classified as a Variant of Uncertain Significance.

NM_004994.3(MMP9):c.1862G>A (p.Arg621Lys)

Genes: MMP9 (matrix metallopeptidase 9; plus strand), SLC12A5-AS1 (SLC12A5 and MMP9 antisense RNA 1; minus strand), LOC130065978 (ATAC-STARR-seq lymphoblastoid silent region 12969; plus strand). Cytogenetic location: 20q13.12.
Variant type: single nucleotide variant.
Coding change: c.1862G>A on transcript NM_004994.3 (MANE Select); coding-DNA position 1862, G replaced by A.
Protein change: p.Arg621Lys; replaces arginine 621 with lysine.
Molecular consequence: missense variant. On other transcripts: non-coding transcript variant (1).
Genome position (GRCh38, 1-based): chr20:46,014,235, G>A. VCF-style: chr20-46014235-G-A. GRCh37 (hg19) VCF-style: chr20-44642874-G-A.
Other names: short protein forms R621K.
Identifiers: ClinVar variation 2872629 (VCV002872629.3), dbSNP rs6104428, ClinGen allele CA315636655.